The following is an entry in ClinVar:

ClinVar aggregate classification (germline): Uncertain significance (1 of 4 stars; one submission).

Conditions:
Lysinuric protein intolerance (LPI). Identifiers: Orphanet 470, MedGen C0268647, MONDO:0009109, OMIM 222700.

Submission:

Center for Genomics, Ann and Robert H. Lurie Children's Hospital of Chicago
Classification: Uncertain significance for Lysinuric protein intolerance. Last evaluated: 2022-10-13. Review status: criteria provided, single submitter. Criteria: ACMG Guidelines, 2015. Collection method: clinical testing. Allele origin: germline.
Comment: This variant has not been reported in the literature and is not present in large control databases. Evolutionary conservation and computational predictive tools suggest that this variant may impact the protein. In summary, data on this variant is insufficient for disease classification. Therefore, the clinical significance of this variant is uncertain.

NM_003982.4(SLC7A7):c.460C>G (p.Pro154Ala)

Gene: SLC7A7 (solute carrier family 7 member 7; minus strand). Cytogenetic location: 14q11.2.
Variant type: single nucleotide variant.
Coding change: c.460C>G on transcript NM_003982.4 (MANE Select); coding-DNA position 460, C replaced by G.
Protein change: p.Pro154Ala; replaces proline 154 with alanine.
Molecular consequence: missense variant.
Genome position (GRCh38, 1-based): chr14:22,812,939, G>C on the plus strand (C>G on the coding strand, the complement: SLC7A7 is on the minus strand). VCF-style: chr14-22812939-G-C. GRCh37 (hg19) VCF-style: chr14-23282148-G-C.
Other names: c.460C>G, p.Pro154Ala (NM_001126105.3, NM_001126106.4); short protein forms P154A.
Identifiers: ClinVar variation 2500088 (VCV002500088.1), dbSNP rs370225997, ClinGen allele CA388921975.